The following is an entry in ClinVar:

ClinVar aggregate classification (germline): Uncertain significance (1 of 4 stars; one submission).

Allele frequency attached by ClinVar (database versions not stated): TOPMed below 0.00001; gnomAD 0.00001; gnomAD exomes 0.00001.
gnomAD v4.1: 4 of 1,613,966 alleles (0.00025%); highest among the groups gnomAD compares: Non-Finnish European, 0.00034%; no homozygotes.

Submission:

CeGaT Center for Human Genetics Tuebingen
Classification: Uncertain significance. Last evaluated: 2022-08-01. Review status: criteria provided, single submitter. Criteria: CeGaT Center For Human Genetics Tuebingen Variant Classification Criteria Version 2. Collection method: clinical testing. Allele origin: germline. Affected: yes. Observed: 1 variant allele.
Comment: BPTF: PM2, BP4

NM_182641.4(BPTF):c.3097A>C (p.Ser1033Arg)

Gene: BPTF (bromodomain PHD finger transcription factor; plus strand). Cytogenetic location: 17q24.2.
Variant type: single nucleotide variant.
Coding change: c.3097A>C on transcript NM_182641.4 (MANE Select); coding-DNA position 3097, A replaced by C.
Protein change: p.Ser1033Arg; replaces serine 1033 with arginine.
Molecular consequence: missense variant.
Genome position (GRCh38, 1-based): chr17:67,910,981, A>C. VCF-style: chr17-67910981-A-C. GRCh37 (hg19) VCF-style: chr17-65907097-A-C.
Other names: c.3475A>C, p.Ser1159Arg (NM_004459.7); short protein forms S1033R, S1159R.
Identifiers: ClinVar variation 2648130 (VCV002648130.24), dbSNP rs1219497281, ClinGen allele CA400725539.
Genomic context (GRCh38, chr17:67,910,981, plus strand): 5'-GAAGAACCAATGGAAGTAGACGATGACATGAAAACAGAGTCACATGTAAATTGTCAGGAG[A>C]GTTCTCAAGTAGATGTGGTCAATGTTAGTGAGGGTTTTCATCTAAGGACTAGTTACAAAA-3'
Protein context (NP_872579.2, residues 1023-1043): KTESHVNCQE[Ser1033Arg]SQVDVVNVSE